The following is an entry in ClinVar:

NM_001378452.1(ITPR1):c.5631A>C (p.Gln1877His)

Gene: ITPR1 (inositol 1,4,5-trisphosphate receptor type 1; plus strand). Cytogenetic location: 3p26.1.
Variant type: single nucleotide variant.
Coding change: c.5631A>C on transcript NM_001378452.1 (MANE Select); coding-DNA position 5631, A replaced by C.
Protein change: p.Gln1877His; replaces glutamine 1877 with histidine.
Molecular consequence: missense variant.
Genome position (GRCh38, 1-based): chr3:4,766,616, A>C. VCF-style: chr3-4766616-A-C. GRCh37 (hg19) VCF-style: chr3-4808300-A-C.
Other names: p.Gln1877His; c.5487A>C, p.Gln1829His (NM_001099952.4); c.5586A>C, p.Gln1862His (NM_001168272.2); c.5442A>C, p.Gln1814His (NM_002222.7); short protein forms Q1814H, Q1829H, Q1862H, Q1877H.
Identifiers: ClinVar variation 3906990 (VCV003906990.1).
Genomic context (GRCh38, chr3:4,766,616, plus strand): 5'-AGATAAGAAGTCAGAGAAATTCTTTAAGGTGTTTTATGACCGGATGAAGGTGGCCCAGCA[A>C]GAAATCAAAGCAACAGTGACAGTGAACACCAGTGACTTGGGAAATAAAAAGAAAGACGAT-3'
Protein context (NP_001365381.1, residues 1867-1887): VFYDRMKVAQ[Gln1877His]EIKATVTVNT

ClinVar aggregate classification (germline): Uncertain significance (1 of 4 stars; one submission).

Conditions:
Spinocerebellar ataxia type 15/16 (SCA15). Also called: Spinocerebellar Ataxia Type 15. Identifiers: Orphanet 98769, MedGen C1847725, MONDO:0011694, OMIM 606658.

gnomAD v4.1: 3 of 1,613,966 alleles (0.00019%); highest among the groups gnomAD compares: South Asian, 0.0033%; no homozygotes.

Submission:

Foundation for Research in Genetics and Endocrinology, FRIGE's Institute of Human Genetics
Classification: Uncertain significance for Spinocerebellar ataxia type 15/16. Last evaluated: 2025-06-19. Review status: criteria provided, single submitter. Criteria: ACMG Guidelines, 2015. Collection method: clinical testing. Allele origin: germline. Inheritance: Autosomal dominant inheritance. Affected: yes. Observed: 1 heterozygote.
Comment: A heterozygous missense variant in exon 45 of the ITPR1 gene that leads to a change in amino acid from Glutamine to Histidine at codon 1877. The observed variant c.5631A>C has been reported in population frequency databases such as gnomAD (MAF-0.0002%) and not reported in ExAC. This variant is predicted to be deleterious by in silico prediction tools such as MutationTaster, DANN, MetaLR, PrimateAI. In summary, the variant meets our criteria to be classified as variant of uncertain significance.